The following is an entry in ClinVar:

ClinVar aggregate classification (germline): Uncertain significance (1 of 4 stars; one submission).

Conditions:
Hereditary cancer-predisposing syndrome. Also called: Hereditary Cancer Syndrome; Neoplastic Syndromes, Hereditary; Tumor predisposition; Hereditary neoplastic syndrome. Identifiers: Orphanet 140162, MedGen C0027672, MeSH D009386, MONDO:0015356.

Allele frequency attached by ClinVar (database versions not stated): gnomAD exomes below 0.00001.

Submission:

Ambry Genetics
Classification: Uncertain significance for Hereditary cancer-predisposing syndrome. Last evaluated: 2022-02-07. Review status: criteria provided, single submitter. Criteria: Ambry Variant Classification Scheme 2023. Collection method: clinical testing. Allele origin: germline.
Comment: The p.D400G variant (also known as c.1199A>G), located in coding exon 12 of the BAP1 gene, results from an A to G substitution at nucleotide position 1199. The aspartic acid at codon 400 is replaced by glycine, an amino acid with similar properties. This amino acid position is conserved. In addition, this alteration is predicted to be tolerated by in silico analysis. Since supporting evidence is limited at this time, the clinical significance of this alteration remains unclear.

NM_004656.4(BAP1):c.1199A>G (p.Asp400Gly)

Gene: BAP1 (BRCA1 associated deubiquitinase 1; minus strand). Cytogenetic location: 3p21.1.
Variant type: single nucleotide variant.
Coding change: c.1199A>G on transcript NM_004656.4 (MANE Select); coding-DNA position 1199, A replaced by G.
Protein change: p.Asp400Gly; replaces aspartic acid 400 with glycine.
Molecular consequence: missense variant.
Genome position (GRCh38, 1-based): chr3:52,404,504, T>C on the plus strand (A>G on the coding strand, the complement: BAP1 is on the minus strand). VCF-style: chr3-52404504-T-C. GRCh37 (hg19) VCF-style: chr3-52438520-T-C.
Other names: c.1145A>G, p.Asp382Gly (NM_001410772.1); short protein forms D382G, D400G.
Identifiers: ClinVar variation 1746635 (VCV001746635.2), dbSNP rs2153226850, ClinGen allele CA353103012.